The following is an entry in ClinVar:

NM_001164508.2(NEB):c.3420C>A (p.Pro1140=)

Gene: NEB (nebulin; minus strand). Cytogenetic location: 2q23.3.
Variant type: single nucleotide variant.
Coding change: c.3420C>A on transcript NM_001164508.2 (MANE Select); coding-DNA position 3420, C replaced by A.
Protein change: p.Pro1140=; no amino-acid change (proline 1140 retained).
Molecular consequence: synonymous variant.
Genome position (GRCh38, 1-based): chr2:151,678,023, G>T on the plus strand (C>A on the coding strand, the complement: NEB is on the minus strand). VCF-style: chr2-151678023-G-T. GRCh37 (hg19) VCF-style: chr2-152534537-G-T.
Other names: c.3420C>A, p.Pro1140= (NM_001164507.2, NM_001271208.2, NM_004543.5).
Identifiers: ClinVar variation 2651435 (VCV002651435.24), dbSNP rs2099385767, ClinGen allele CA429453793.

ClinVar aggregate classification (germline): Likely benign (1 of 4 stars; one submission).

Submission:

CeGaT Center for Human Genetics Tuebingen
Classification: Likely benign. Last evaluated: 2022-08-01. Review status: criteria provided, single submitter. Criteria: CeGaT Center For Human Genetics Tuebingen Variant Classification Criteria Version 2. Collection method: clinical testing. Allele origin: germline. Affected: yes. Observed: 1 variant allele.
Comment: NEB: PM2:Supporting, BP4, BP7